The following is an entry in ClinVar:

ClinVar aggregate classification (germline): Uncertain significance. Review status: criteria provided, multiple submitters, no conflicts (2 of 4 stars). 3 submissions from 3 submitters: Uncertain significance (3). Last evaluated 2025-12-15.

Conditions:
Otospondylomegaepiphyseal dysplasia, autosomal recessive (OSMEDB). Also called: CHONDRODYSTROPHY WITH SENSORINEURAL DEAFNESS; Insley-Astley syndrome. Identifiers: Orphanet 1427, MedGen CN034493, MONDO:0044206, OMIM 215150.
Autosomal recessive nonsyndromic hearing loss 53. Identifiers: Orphanet 90636, MedGen C1864746, MONDO:0012333, OMIM 609706.
Otospondylomegaepiphyseal dysplasia, autosomal dominant (OSMEDA). Also called: COL11A2-Related Stickler Syndrome; Stickler syndrome, type 3; Pierre Robin syndrome with fetal chondrodysplasia. Identifiers: Orphanet 166100, Orphanet 3450, MedGen C1848488, MONDO:0008490, OMIM 184840.
Fibrochondrogenesis 2 (FBCG2). Identifiers: Orphanet 2021, MedGen C3281128, MONDO:0013795, OMIM 614524.
Autosomal dominant nonsyndromic hearing loss 13. Identifiers: Orphanet 90635, MedGen C1866095, MONDO:0011159, OMIM 601868.

Allele frequency attached by ClinVar (database versions not stated): gnomAD below 0.00001 and 0.00001; gnomAD exomes 0.00001 and 0.00003; ExAC 0.00004.
gnomAD v4.1: 22 of 1,608,790 alleles (0.0014%); highest among the groups gnomAD compares: South Asian, 0.017%; no homozygotes.

Submissions (3):

Labcorp Genetics (formerly Invitae), Labcorp
Classification: Uncertain significance. Last evaluated: 2025-12-15. Review status: criteria provided, single submitter. Criteria: Invitae Variant Classification Sherloc (09022015). Collection method: clinical testing. Allele origin: germline.
Comment: This sequence change falls in intron 44 of the COL11A2 gene. It does not directly change the encoded amino acid sequence of the COL11A2 protein. It affects a nucleotide within the consensus splice site. This variant is present in population databases (rs755108811, gnomAD 0.01%). This variant has not been reported in the literature in individuals affected with COL11A2-related conditions. ClinVar contains an entry for this variant (Variation ID: 667220). Variants that disrupt the consensus splice site are a relatively common cause of aberrant splicing (PMID: 17576681, 9536098). Algorithms developed to predict the effect of sequence changes on RNA splicing suggest that this variant is not likely to affect RNA splicing. In summary, the available evidence is currently insufficient to determine the role of this variant in disease. Therefore, it has been classified as a Variant of Uncertain Significance.

Fulgent Genetics
Classification: Uncertain significance for Otospondylomegaepiphyseal dysplasia, autosomal dominant; Otospondylomegaepiphyseal dysplasia, autosomal recessive; Autosomal dominant nonsyndromic hearing loss 13; Autosomal recessive nonsyndromic hearing loss 53; Fibrochondrogenesis 2. Last evaluated: 2024-02-05. Review status: criteria provided, single submitter. Criteria: ACMG Guidelines, 2015. Collection method: clinical testing. Allele origin: germline.

Laboratory for Molecular Medicine, Mass General Brigham Personalized Medicine
Classification: Uncertain significance. Last evaluated: 2018-02-27. Review status: criteria provided, single submitter. Criteria: LMM Criteria. Collection method: clinical testing. Allele origin: germline. Observed: 2 variant alleles.
Comment: Variant classified as Uncertain Significance - Favor Benign. The c.3313-3C>T var iant in COL11A2 has not been previously reported in individuals with hearing los s or Stickler syndrome, but has been identified in 4/30012 South Asian and in 3/ 106060 European chromosomes by the Genome Aggregation Database (gnomAD; dbSNP rs755108811). Although this variant has been see n in the general population, its frequency is not high enough to rule out a path ogenic role. This variant is located in the 3' splice region. A thymine (T) base at the -3 splice site position does not diverge from the 3' splice site consens us sequence and computational tools do not suggest an impact to splicing. Howeve r, this information is not predictive enough to rule out pathogenicity. In summa ry, while the clinical significance of the c.3313-3C>T variant is uncertain, the se data suggest that it is more likely to be benign. ACMG/AMP Criteria applied: BP4.

Literature cited by the submitters: PubMed 17576681 (cited by Labcorp Genetics (formerly Invitae), Labcorp); PubMed 9536098 (cited by Labcorp Genetics (formerly Invitae), Labcorp).

NM_080680.3(COL11A2):c.3313-3C>T

Gene: COL11A2 (collagen type XI alpha 2 chain; minus strand). Cytogenetic location: 6p21.32.
Variant type: single nucleotide variant.
Coding change: c.3313-3C>T on transcript NM_080680.3 (MANE Select); 3 bases into the intron before coding-DNA position 3313, C replaced by T.
Molecular consequence: intron variant.
Genome position (GRCh38, 1-based): chr6:33,171,170, G>A on the plus strand (C>T on the coding strand, the complement: COL11A2 is on the minus strand). VCF-style: chr6-33171170-G-A. GRCh37 (hg19) VCF-style: chr6-33138947-G-A.
Other names: c.2992-3C>T (NM_080679.3); c.3055-3C>T (NM_080681.3).
Identifiers: ClinVar variation 667220 (VCV000667220.8), dbSNP rs755108811, ClinGen allele CA3750557.